The following is an entry in ClinVar:

NM_001130965.3(SUN1):c.992G>A (p.Arg331Gln)

Gene: SUN1 (Sad1 and UNC84 domain containing 1; plus strand). Cytogenetic location: 7p22.3.
Variant type: single nucleotide variant.
Coding change: c.992G>A on transcript NM_001130965.3 (MANE Select); coding-DNA position 992, G replaced by A.
Protein change: p.Arg331Gln; replaces arginine 331 with glutamine.
Molecular consequence: missense variant. On other transcripts: non-coding transcript variant (3).
Genome position (GRCh38, 1-based): chr7:852,891, G>A. VCF-style: chr7-852891-G-A. GRCh37 (hg19) VCF-style: chr7-892528-G-A.
Other names: c.683G>A, p.Arg228Gln (NM_001171944.2); c.992G>A, p.Arg331Gln (NM_001367633.1, NM_001367634.1, NM_001367653.1 and 1 more transcripts); c.641G>A, p.Arg214Gln (NM_001367635.1); c.1232G>A, p.Arg411Gln (NM_001367636.1, NM_001367691.1); c.1100G>A, p.Arg367Gln (NM_001367638.1); c.533G>A, p.Arg178Gln (NM_001367639.1); c.1172G>A, p.Arg391Gln (NM_001367640.1); c.1274G>A, p.Arg425Gln (NM_001367641.1, NM_001367682.1); and 38 more; short protein forms R331Q, R214Q, R285Q, R305Q, R309Q, R317Q, R330Q, R335Q.
Identifiers: ClinVar variation 569233 (VCV000569233.14), dbSNP rs374902623, ClinGen allele CA4112032.
Genomic context (GRCh38, chr7:852,891, plus strand): 5'-AGGGCAATTTCTTTTCGTTCTTGCCCGTGTTGAACTGGGCAAGCATGCATAGAACACAGC[G>A]GGTGGATGACCCCCAGGACGTGTTTAAACCCACGACTTCTCGCCTGAAGCAGCCTCTGCA-3'
Protein context (NP_001124437.1, residues 321-341): LNWASMHRTQ[Arg331Gln]VDDPQDVFKP

ClinVar aggregate classification (germline): Uncertain significance. Review status: criteria provided, multiple submitters, no conflicts (2 of 4 stars). 2 submissions from 2 submitters: Uncertain significance (2). Last evaluated 2025-07-23.

Conditions:
Emery-Dreifuss muscular dystrophy (EDMD). Also called: Scapuloperoneal syndrome, X-linked (formerly); Humeroperoneal neuromuscular disease, (formerly). Identifiers: Orphanet 261, MedGen C0410189, MONDO:0016830.

Allele frequency attached by ClinVar (database versions not stated): gnomAD 0.00011; TOPMed 0.00012; 1000 Genomes Project 30x 0.00016; gnomAD exomes 0.00016 and 0.00017; 1000 Genomes Project 0.00020; ExAC 0.00021; ESP Exome Variant Server 0.00024.
gnomAD v4.1: 258 of 1,614,084 alleles (0.016%); highest among the groups gnomAD compares: South Asian, 0.11%; no homozygotes.

Submissions (3):

Labcorp Genetics (formerly Invitae), Labcorp
Classification: Uncertain significance for Emery-Dreifuss muscular dystrophy. Last evaluated: 2025-07-23. Review status: criteria provided, single submitter. Criteria: Invitae Variant Classification Sherloc (09022015). Collection method: clinical testing. Allele origin: germline.
Comment: This sequence change replaces arginine, which is basic and polar, with glutamine, which is neutral and polar, at codon 331 of the SUN1 protein (p.Arg331Gln). This variant is present in population databases (rs374902623, gnomAD 0.08%), and has an allele count higher than expected for a pathogenic variant. This variant has not been reported in the literature in individuals affected with SUN1-related conditions. ClinVar contains an entry for this variant (Variation ID: 569233). An algorithm developed to predict the effect of missense changes on protein structure and function outputs the following: PolyPhen-2: "Benign". The glutamine amino acid residue is found in multiple mammalian species, which suggests that this missense change does not adversely affect protein function. In summary, the available evidence is currently insufficient to determine the role of this variant in disease. Therefore, it has been classified as a Variant of Uncertain Significance.

Ambry Genetics
Classification: Uncertain significance. Last evaluated: 2025-03-01. Review status: criteria provided, single submitter. Criteria: Ambry Variant Classification Scheme 2023. Collection method: clinical testing. Allele origin: germline.

Dr. Peter K. Rogan Lab, Western University
No classification provided (evidence only). Condition: Familial cancer of breast. Review status: no classification provided. Collection method: in vitro. Allele origin: not applicable. Functional consequence: retained intron. Not counted in ClinVar's aggregate classification.